The following is an entry in ClinVar:

ClinVar aggregate classification (germline): Conflicting classifications of pathogenicity. Review status: criteria provided, conflicting classifications (1 of 4 stars). 7 submissions from 7 submitters: Uncertain significance (4); Likely benign (2). 1 of the submissions does not count toward it. Last evaluated 2024-11-18.

Conditions:
Muscular dystrophy-dystroglycanopathy (congenital with impaired intellectual development), type B, 3. Also called: Muscular dystrophy-dystroglycanopathy (congenital with intellectual disability), type B3; MUSCULAR DYSTROPHY, CONGENITAL, POMGNT1-RELATED. Identifiers: MedGen C3150412, MONDO:0013155, OMIM 613151.
Autosomal recessive limb-girdle muscular dystrophy type 2O. Also called: Limb-Girdle Muscular Dystrophy Type 3C; MUSCULAR DYSTROPHY-DYSTROGLYCANOPATHY (LIMB-GIRDLE), TYPE C, 3; MUSCULAR DYSTROPHY-DYSTROGLYCANOPATHY, LIMB-GIRDLE, POMGNT1-RELATED. Identifiers: Orphanet 206564, MedGen C3150417, MONDO:0013161, OMIM 613157.
Inborn genetic diseases. Identifiers: MedGen C0950123, MeSH D030342.
Muscle eye brain disease (MEB). Also called: Santavuori congenital muscular dystrophy. Identifiers: Orphanet 588, Orphanet 899, MedGen C0457133, MONDO:0018939.

Allele frequency attached by ClinVar (database versions not stated): ExAC 0.00005; TOPMed 0.00014; ESP Exome Variant Server 0.00015.
gnomAD v4.1: 54 of 1,614,050 alleles (0.0033%); highest among the groups gnomAD compares: African/African-American, 0.043%; no homozygotes.

Submissions (7):

Athena Diagnostics
Classification: Uncertain significance. Last evaluated: 2024-11-18. Review status: criteria provided, single submitter. Criteria: Athena Diagnostics Criteria. Collection method: clinical testing. Allele origin: unknown.
Comment: Available data are insufficient to determine the clinical significance of the variant at this time. The frequency of this variant in the general population is uninformative in assessment of its pathogenicity. Polyphen and MutationTaster predict this amino acid change may be benign.

Labcorp Genetics (formerly Invitae), Labcorp
Classification: Uncertain significance for Autosomal recessive limb-girdle muscular dystrophy type 2O; Muscular dystrophy-dystroglycanopathy (congenital with impaired intellectual development), type B, 3. Last evaluated: 2024-04-05. Review status: criteria provided, single submitter. Criteria: Invitae Variant Classification Sherloc (09022015). Collection method: clinical testing. Allele origin: germline.
Comment: This sequence change replaces arginine, which is basic and polar, with histidine, which is basic and polar, at codon 84 of the POMGNT1 protein (p.Arg84His). This variant is present in population databases (rs373866304, gnomAD 0.04%). This variant has not been reported in the literature in individuals affected with POMGNT1-related conditions. ClinVar contains an entry for this variant (Variation ID: 451139). Advanced modeling of protein sequence and biophysical properties (such as structural, functional, and spatial information, amino acid conservation, physicochemical variation, residue mobility, and thermodynamic stability) performed at Invitae indicates that this missense variant is not expected to disrupt POMGNT1 protein function with a negative predictive value of 95%. In summary, the available evidence is currently insufficient to determine the role of this variant in disease. Therefore, it has been classified as a Variant of Uncertain Significance.

Ambry Genetics
Classification: Uncertain significance for Inborn genetic diseases. Last evaluated: 2024-03-28. Review status: criteria provided, single submitter. Criteria: Ambry Variant Classification Scheme 2023. Collection method: clinical testing. Allele origin: germline.

Blueprint Genetics
Classification: Likely benign. Last evaluated: 2023-05-16. Review status: criteria provided, single submitter. Criteria: ACMG Guidelines, 2015. Collection method: clinical testing. Allele origin: germline.

CeGaT Center for Human Genetics Tuebingen
Classification: Likely benign. Last evaluated: 2022-05-01. Review status: criteria provided, single submitter. Criteria: CeGaT Center For Human Genetics Tuebingen Variant Classification Criteria Version 2. Collection method: clinical testing. Allele origin: germline. Affected: yes. Observed: 1 variant allele.
Comment: POMGNT1: BP4

GeneDx
Classification: Uncertain significance. Last evaluated: 2017-08-02. Review status: criteria provided, single submitter. Criteria: GeneDx Variant Classification (06012015). Collection method: clinical testing. Allele origin: germline. Affected: yes.
Comment: A variant of uncertain significance has been identified in the POMGNT1 gene. The R84H variant has not been published as a pathogenic variant, nor has it been reported as a benign variant to our knowledge. The R84H variant is observed in 5/10388 (0.05%) alleles from individuals of African background (Lek et al., 2016; 1000 Genomes Consortium et al., 2015; Exome Variant Server). The R84H variant is a conservative amino acid substitution, which is not likely to impact secondary protein structure as these residues share similar properties. This substitution occurs at a position that is not conserved. However, in silico analysis is inconsistent in its predictions as to whether or not the variant is damaging to the protein structure/function. Therefore, based on the currently available information, it is unclear whether this variant is a pathogenic variant or a rare benign variant.

Natera, Inc.
Classification: Uncertain significance for Muscle-eye-brain disease. Last evaluated: 2020-07-28. Review status: no assertion criteria provided. Collection method: clinical testing. Allele origin: germline. Not counted in ClinVar's aggregate classification.

NM_017739.4(POMGNT1):c.251G>A (p.Arg84His)

Gene: POMGNT1 (protein O-linked mannose N-acetylglucosaminyltransferase 1 (beta 1,2-); minus strand). Cytogenetic location: 1p34.1.
Variant type: single nucleotide variant.
Coding change: c.251G>A on transcript NM_017739.4 (MANE Select); coding-DNA position 251, G replaced by A.
Protein change: p.Arg84His; replaces arginine 84 with histidine.
Molecular consequence: missense variant. On other transcripts: 5 prime UTR variant (1).
Genome position (GRCh38, 1-based): chr1:46,196,834, C>T on the plus strand (G>A on the coding strand, the complement: POMGNT1 is on the minus strand). VCF-style: chr1-46196834-C-T. GRCh37 (hg19) VCF-style: chr1-46662506-C-T.
Other names: c.251G>A, p.Arg84His (NM_001243766.2, NM_001410783.1); c.185G>A, p.Arg62His (NM_001290129.3); c.-179G>A (NM_001290130.2); short protein forms R84H, R62H.
Identifiers: ClinVar variation 451139 (VCV000451139.35), dbSNP rs373866304, ClinGen allele CA833808.